The following is an entry in ClinVar:

NM_173651.4(FSIP2):c.9399T>C (p.Asn3133=)

Genes: FSIP2 (fibrous sheath interacting protein 2; plus strand), FSIP2-AS1 (FSIP2 antisense RNA 1; minus strand). Cytogenetic location: 2q32.1.
Variant type: single nucleotide variant.
Coding change: c.9399T>C on transcript NM_173651.4 (MANE Select); coding-DNA position 9399, T replaced by C.
Protein change: p.Asn3133=; no amino-acid change (asparagine 3133 retained).
Molecular consequence: synonymous variant.
Genome position (GRCh38, 1-based): chr2:185,796,535, T>C. VCF-style: chr2-185796535-T-C. GRCh37 (hg19) VCF-style: chr2-186661262-T-C.
Identifiers: ClinVar variation 2651747 (VCV002651747.24), dbSNP rs1324016132, ClinGen allele CA430513282.

ClinVar aggregate classification (germline): Likely benign (1 of 4 stars; one submission).

Allele frequency attached by ClinVar (database versions not stated): gnomAD exomes 0.00001.
gnomAD v4.1: 4 of 1,535,128 alleles (0.00026%); highest among the groups gnomAD compares: Admixed American, 0.0059%; no homozygotes.

Submission:

CeGaT Center for Human Genetics Tuebingen
Classification: Likely benign. Last evaluated: 2022-10-01. Review status: criteria provided, single submitter. Criteria: CeGaT Center For Human Genetics Tuebingen Variant Classification Criteria Version 2. Collection method: clinical testing. Allele origin: germline. Affected: yes. Observed: 1 variant allele.
Comment: FSIP2: BP4, BP7